The following is an entry in ClinVar:

NM_002878.4(RAD51D):c.51_52delinsG (p.Ile17fs)

Genes: RAD51L3-RFFL (RAD51L3-RFFL readthrough; minus strand), RAD51D (RAD51 paralog D; minus strand). Cytogenetic location: 17q12.
Variant type: Indel.
Coding change: c.51_52delinsG on transcript NM_002878.4 (MANE Select); coding-DNA positions 51 to 52, CC replaced by G.
Protein change: p.Ile17fs; shifts the reading frame from isoleucine 17.
Molecular consequence: frameshift variant. On other transcripts: non-coding transcript variant (2).
Genome position (GRCh38, 1-based): chr17:35,119,562-35,119,563, GG replaced by C on the plus strand (CC replaced by G on the coding strand, the reverse complement: RAD51D is on the minus strand). VCF-style: chr17-35119562-GG-C. GRCh37 (hg19) VCF-style: chr17-33446581-GG-C.
Other names: c.51_52delinsG, p.Ile17fs (NM_001142571.2, NM_133629.3); short protein forms I17fs.
Identifiers: ClinVar variation 1745350 (VCV001745350.3), dbSNP rs2142480422, ClinGen allele CA2580093639.

ClinVar aggregate classification (germline): Pathogenic/Likely pathogenic. Review status: criteria provided, multiple submitters, no conflicts (2 of 4 stars). 3 submissions from 3 submitters: Pathogenic (2); Likely pathogenic (1). Last evaluated 2024-01-26.

Conditions:
Hereditary cancer-predisposing syndrome. Also called: Hereditary Cancer Syndrome; Neoplastic Syndromes, Hereditary; Tumor predisposition; Hereditary neoplastic syndrome. Identifiers: Orphanet 140162, MedGen C0027672, MeSH D009386, MONDO:0015356.
Breast-ovarian cancer, familial, susceptibility to, 4. Identifiers: Orphanet 145, MedGen C3280345, MONDO:0013669, OMIM 614291.

Submissions (3):

Baylor Genetics
Classification: Likely pathogenic for Breast-ovarian cancer, familial, susceptibility to, 4. Last evaluated: 2024-01-26. Review status: criteria provided, single submitter. Criteria: ACMG Guidelines, 2015. Collection method: clinical testing. Allele origin: unknown.

Myriad Genetics, Inc.
Classification: Pathogenic for Breast-ovarian cancer, familial, susceptibility to, 4. Last evaluated: 2024-01-03. Review status: criteria provided, single submitter. Criteria: Myriad Autosomal Dominant, Autosomal Recessive and X-Linked Classification Criteria (2023). Collection method: clinical testing. Allele origin: unknown.
Comment: This variant is considered pathogenic. This variant creates a frameshift predicted to result in premature protein truncation.

Ambry Genetics
Classification: Pathogenic for Hereditary cancer-predisposing syndrome. Last evaluated: 2022-07-06. Review status: criteria provided, single submitter. Criteria: Ambry Variant Classification Scheme 2023. Collection method: clinical testing. Allele origin: germline.
Comment: The c.51_52delCCinsG pathogenic mutation, located in coding exon 1 of the RAD51D gene, results from the deletion of two nucleotides and insertion of one nucleotide causing a translational frameshift with a predicted alternate stop codon (p.I17Mfs*23). This alteration is expected to result in loss of function by premature protein truncation or nonsense-mediated mRNA decay. As such, this alteration is interpreted as a disease-causing mutation.